The following is an entry in ClinVar:

NM_001040142.2(SCN2A):c.4535C>G (p.Pro1512Arg)

Gene: SCN2A (sodium voltage-gated channel alpha subunit 2; plus strand). Cytogenetic location: 2q24.3.
Variant type: single nucleotide variant.
Coding change: c.4535C>G on transcript NM_001040142.2 (MANE Select); coding-DNA position 4535, C replaced by G.
Protein change: p.Pro1512Arg; replaces proline 1512 with arginine.
Molecular consequence: missense variant.
Genome position (GRCh38, 1-based): chr2:165,381,181, C>G. VCF-style: chr2-165381181-C-G. GRCh37 (hg19) VCF-style: chr2-166237691-C-G.
Other names: c.4535C>G, p.Pro1512Arg (NM_001040143.2, NM_001371246.1, NM_001371247.1 and 1 more transcripts); c.4535C>G (NM_021007.2); short protein forms P1512R.
Identifiers: ClinVar variation 2109395 (VCV002109395.7), dbSNP rs2105385911, ClinGen allele CA349034938.

ClinVar aggregate classification (germline): Uncertain significance. Review status: criteria provided, multiple submitters, no conflicts (2 of 4 stars). 3 submissions from 3 submitters: Uncertain significance (2). 1 of the submissions does not count toward it. Last evaluated 2024-04-18.

Conditions:
SCN2A-related disorder. Also called: SCN2A-related condition; SCN2A-related disorders. Identifiers: MedGen CN382226, MONDO:1060245.
Developmental and epileptic encephalopathy, 11 (DEE11). Also called: Early infantile epileptic encephalopathy 11. Identifiers: Orphanet 1934, MedGen C3150987, MONDO:0013388, OMIM 613721.
Seizures, benign familial infantile, 3 (BFIS3). Also called: CONVULSIONS, BENIGN FAMILIAL INFANTILE, 3; Familial neonatal seizures. Identifiers: Orphanet 140927, Orphanet 306, MedGen C1843140, MONDO:0011904, OMIM 607745.

Submissions (3):

Labcorp Genetics (formerly Invitae), Labcorp
Classification: Uncertain significance for Seizures, benign familial infantile, 3; Developmental and epileptic encephalopathy, 11. Last evaluated: 2024-04-18. Review status: criteria provided, single submitter. Criteria: Invitae Variant Classification Sherloc (09022015). Collection method: clinical testing. Allele origin: germline.
Comment: This sequence change replaces proline, which is neutral and non-polar, with arginine, which is basic and polar, at codon 1512 of the SCN2A protein (p.Pro1512Arg). This variant is not present in population databases (gnomAD no frequency). This variant has not been reported in the literature in individuals affected with SCN2A-related conditions. ClinVar contains an entry for this variant (Variation ID: 2109395). Advanced modeling of protein sequence and biophysical properties (such as structural, functional, and spatial information, amino acid conservation, physicochemical variation, residue mobility, and thermodynamic stability) performed at Invitae indicates that this missense variant is expected to disrupt SCN2A protein function with a positive predictive value of 95%. In summary, the available evidence is currently insufficient to determine the role of this variant in disease. Therefore, it has been classified as a Variant of Uncertain Significance.

Baylor Genetics
Classification: Uncertain significance for Developmental and epileptic encephalopathy, 11. Last evaluated: 2022-03-12. Review status: criteria provided, single submitter. Criteria: ACMG Guidelines, 2015. Collection method: clinical testing. Allele origin: unknown.

PreventionGenetics, part of Exact Sciences
Classification: Uncertain significance for SCN2A-related condition. Last evaluated: 2023-11-21. Review status: no assertion criteria provided. Collection method: clinical testing. Allele origin: germline. Not counted in ClinVar's aggregate classification.
Comment: The SCN2A c.4535C>G variant is predicted to result in the amino acid substitution p.Pro1512Arg. To our knowledge, this variant has not been reported in the literature or in a large population database, indicating this variant is rare. At this time, the clinical significance of this variant is uncertain due to the absence of conclusive functional and genetic evidence.